The following is an entry in ClinVar:

NM_001291303.3(FAT4):c.7079A>G (p.Asn2360Ser)

Gene: FAT4 (FAT atypical cadherin 4; plus strand). Cytogenetic location: 4q28.1.
Variant type: single nucleotide variant.
Coding change: c.7079A>G on transcript NM_001291303.3 (MANE Select); coding-DNA position 7079, A replaced by G.
Protein change: p.Asn2360Ser; replaces asparagine 2360 with serine.
Molecular consequence: missense variant.
Genome position (GRCh38, 1-based): chr4:125,434,305, A>G. VCF-style: chr4-125434305-A-G. GRCh37 (hg19) VCF-style: chr4-126355460-A-G.
Other names: c.7079A>G, p.Asn2360Ser (NM_001291285.3, NM_024582.6); c.7079A>G (NM_024582.4); short protein forms N2360S.
Identifiers: ClinVar variation 1597657 (VCV001597657.11), dbSNP rs534302520, ClinGen allele CA3073087.

ClinVar aggregate classification (germline): Conflicting classifications of pathogenicity. Review status: criteria provided, conflicting classifications (1 of 4 stars). 3 submissions from 3 submitters: Uncertain significance (2); Likely benign (1). Last evaluated 2025-10-17.

Conditions:
Inborn genetic diseases. Identifiers: MedGen C0950123, MeSH D030342.

Allele frequency attached by ClinVar (database versions not stated): gnomAD exomes 0.00003 and 0.00007; ExAC 0.00008; gnomAD 0.00017; 1000 Genomes Project 0.00020; TOPMed 0.00022; 1000 Genomes Project 30x 0.00031.

Submissions (3):

Labcorp Genetics (formerly Invitae), Labcorp
Classification: Likely benign. Last evaluated: 2025-10-17. Review status: criteria provided, single submitter. Criteria: Invitae Variant Classification Sherloc (09022015). Collection method: clinical testing. Allele origin: germline.

GeneDx
Classification: Uncertain significance. Last evaluated: 2024-11-06. Review status: criteria provided, single submitter. Criteria: GeneDx Variant Classification Process June 2021. Collection method: clinical testing. Allele origin: germline. Affected: yes.
Comment: In silico analysis supports that this missense variant has a deleterious effect on protein structure/function; Has not been previously published as pathogenic or benign to our knowledge

Ambry Genetics
Classification: Uncertain significance for Inborn genetic diseases. Last evaluated: 2024-07-15. Review status: criteria provided, single submitter. Criteria: Ambry Variant Classification Scheme 2023. Collection method: clinical testing. Allele origin: germline.